The following is an entry in ClinVar:

NM_001253384.2(RPL15):c.*4A>G

Genes: NKIRAS1 (NFKB inhibitor interacting Ras like 1; minus strand), RPL15 (ribosomal protein L15; plus strand). Cytogenetic location: 3p24.2.
Variant type: single nucleotide variant.
Coding change: c.*4A>G on transcript NM_001253384.2; 4 bases downstream of the stop codon, A replaced by G.
Molecular consequence: 3 prime UTR variant. On other transcripts: intron variant (1).
Genome position (GRCh38, 1-based): chr3:23,921,679, A>G. VCF-style: chr3-23921679-A-G. GRCh37 (hg19) VCF-style: chr3-23963170-A-G.
Other names: c.-139-10229T>C (NM_001377380.1).
Identifiers: ClinVar variation 3051112 (VCV003051112.2), dbSNP rs1387134095, ClinGen allele CA432838624.

ClinVar aggregate classification (germline): Likely benign (0 of 4 stars; one submission).

Conditions:
RPL15-related disorder. Also called: RPL15-related condition.

Allele frequency attached by ClinVar (database versions not stated): gnomAD exomes 0.00006; gnomAD 0.00009.
gnomAD v4.1: 46 of 673,038 alleles (0.0068%); highest among the groups gnomAD compares: Non-Finnish European, 0.01%; no homozygotes.

Submission:

PreventionGenetics, part of Exact Sciences
Classification: Likely benign for RPL15-related condition. Last evaluated: 2019-04-25. Review status: no assertion criteria provided. Collection method: clinical testing. Allele origin: germline.
Comment: This variant is classified as likely benign based on ACMG/AMP sequence variant interpretation guidelines (Richards et al. 2015 PMID: 25741868, with internal and published modifications).